The following is an entry in ClinVar:

NM_000256.3(MYBPC3):c.10C>T (p.Pro4Ser)

Gene: MYBPC3 (myosin binding protein C3; minus strand). Cytogenetic location: 11p11.2.
Variant type: single nucleotide variant.
Coding change: c.10C>T on transcript NM_000256.3 (MANE Select); coding-DNA position 10, C replaced by T.
Protein change: p.Pro4Ser; replaces proline 4 with serine.
Molecular consequence: missense variant.
Genome position (GRCh38, 1-based): chr11:47,352,638, G>A on the plus strand (C>T on the coding strand, the complement: MYBPC3 is on the minus strand). VCF-style: chr11-47352638-G-A. GRCh37 (hg19) VCF-style: chr11-47374189-G-A.
Other names: short protein forms P4S.
Identifiers: ClinVar variation 1367027 (VCV001367027.9), dbSNP rs1308785992, ClinGen allele CA380342797.

ClinVar aggregate classification (germline): Uncertain significance. Review status: criteria provided, multiple submitters, no conflicts (2 of 4 stars). 2 submissions from 2 submitters: Uncertain significance (2). Last evaluated 2025-06-19.

Conditions:
Cardiovascular phenotype. Identifiers: MedGen CN230736.
Hypertrophic cardiomyopathy. Also called: HYPERTROPHIC MYOCARDIOPATHY. Identifiers: Orphanet 217569, MedGen C0007194, MeSH D002312, MONDO:0005045, HP:0001639.

Allele frequency attached by ClinVar (database versions not stated): TOPMed below 0.00001.

Submissions (2):

Ambry Genetics
Classification: Uncertain significance for Cardiovascular phenotype. Last evaluated: 2025-06-19. Review status: criteria provided, single submitter. Criteria: Ambry Variant Classification Scheme 2023. Collection method: clinical testing. Allele origin: germline.
Comment: The p.P4S variant (also known as c.10C>T), located in coding exon 1 of the MYBPC3 gene, results from a C to T substitution at nucleotide position 10. The proline at codon 4 is replaced by serine, an amino acid with similar properties. This amino acid position is well conserved in available vertebrate species. In addition, this alteration is predicted to be tolerated by in silico analysis. Based on the available evidence, the clinical significance of this variant remains unclear.

Labcorp Genetics (formerly Invitae), Labcorp
Classification: Uncertain significance for Hypertrophic cardiomyopathy. Last evaluated: 2023-11-01. Review status: criteria provided, single submitter. Criteria: Invitae Variant Classification Sherloc (09022015). Collection method: clinical testing. Allele origin: germline.
Comment: This sequence change replaces proline, which is neutral and non-polar, with serine, which is neutral and polar, at codon 4 of the MYBPC3 protein (p.Pro4Ser). This variant is not present in population databases (gnomAD no frequency). This variant has not been reported in the literature in individuals affected with MYBPC3-related conditions. ClinVar contains an entry for this variant (Variation ID: 1367027). An algorithm developed to predict the effect of missense changes on protein structure and function (PolyPhen-2) suggests that this variant is likely to be disruptive. In summary, the available evidence is currently insufficient to determine the role of this variant in disease. Therefore, it has been classified as a Variant of Uncertain Significance.